The following is an entry in ClinVar:

NM_000218.3(KCNQ1):c.527G>C (p.Trp176Ser)

Gene: KCNQ1 (potassium voltage-gated channel subfamily Q member 1; plus strand). Cytogenetic location: 11p15.5.
Variant type: single nucleotide variant.
Coding change: c.527G>C on transcript NM_000218.3 (MANE Select); coding-DNA position 527, G replaced by C.
Protein change: p.Trp176Ser; replaces tryptophan 176 with serine.
Molecular consequence: missense variant. On other transcripts: intron variant (1).
Genome position (GRCh38, 1-based): chr11:2,570,677, G>C. VCF-style: chr11-2570677-G-C. GRCh37 (hg19) VCF-style: chr11-2591907-G-C.
Other names: c.527G>C, p.Trp176Ser (NM_001406836.1); c.257G>C, p.Trp86Ser (NM_001406837.1); c.146G>C, p.Trp49Ser (NM_181798.2); c.478-12758G>C (NM_001406838.1); short protein forms W176S, W49S, W86S.
Identifiers: ClinVar variation 2747611 (VCV002747611.3), dbSNP rs2493667659, ClinGen allele CA379129883.

ClinVar aggregate classification (germline): Likely pathogenic (1 of 4 stars; one submission).

Conditions:
Long QT syndrome (LQTS). Identifiers: MedGen C0023976, MeSH D008133, MONDO:0002442. Disease mechanism: loss of function. Inheritance: Various modes of inheritance.

Submission:

Labcorp Genetics (formerly Invitae), Labcorp
Classification: Likely pathogenic for Long QT syndrome. Last evaluated: 2025-01-27. Review status: criteria provided, single submitter. Criteria: Invitae Variant Classification Sherloc (09022015). Collection method: clinical testing. Allele origin: germline.
Comment: This sequence change replaces tryptophan, which is neutral and slightly polar, with serine, which is neutral and polar, at codon 176 of the KCNQ1 protein (p.Trp176Ser). This variant is not present in population databases (gnomAD no frequency). This variant has not been reported in the literature in individuals affected with KCNQ1-related conditions. ClinVar contains an entry for this variant (Variation ID: 2747611). Invitae Evidence Modeling of protein sequence and biophysical properties (such as structural, functional, and spatial information, amino acid conservation, physicochemical variation, residue mobility, and thermodynamic stability) indicates that this missense variant is expected to disrupt KCNQ1 protein function with a positive predictive value of 95%. Experimental studies have shown that this missense change affects KCNQ1 function (PMID: 9312006). This variant disrupts the p.Trp176 amino acid residue in KCNQ1. Other variant(s) that disrupt this residue have been determined to be pathogenic (internal data). This suggests that this residue is clinically significant, and that variants that disrupt this residue are likely to be disease-causing. In summary, the currently available evidence indicates that the variant is pathogenic, but additional data are needed to prove that conclusively. Therefore, this variant has been classified as Likely Pathogenic.

Literature cited by the submitters: PubMed 9312006.